The following is an entry in ClinVar:

NM_001130987.2(DYSF):c.2426C>G (p.Pro809Arg)

Gene: DYSF (dysferlin; plus strand). Cytogenetic location: 2p13.2.
Variant type: single nucleotide variant.
Coding change: c.2426C>G on transcript NM_001130987.2 (MANE Select); coding-DNA position 2426, C replaced by G.
Protein change: p.Pro809Arg; replaces proline 809 with arginine.
Molecular consequence: missense variant.
Genome position (GRCh38, 1-based): chr2:71,564,074, C>G. VCF-style: chr2-71564074-C-G. GRCh37 (hg19) VCF-style: chr2-71791204-C-G.
Other names: NM_001130987.2(DYSF):c.2426C>G; p.Pro809Arg; c.2375C>G, p.Pro792Arg (NM_001130455.2, NM_001130983.2); c.2330C>G, p.Pro777Arg (NM_001130976.2, NM_001130977.2); c.2372C>G, p.Pro791Arg (NM_001130978.2, NM_003494.4); c.2465C>G, p.Pro822Arg (NM_001130979.2); c.2423C>G, p.Pro808Arg (NM_001130980.2, NM_001130981.2); c.2468C>G, p.Pro823Arg (NM_001130982.2); and 2 more; short protein forms P791R, P809R, P792R, P822R, P808R, P777R, P778R, P823R.
Identifiers: ClinVar variation 6671 (VCV000006671.21), dbSNP rs121908956, ClinGen allele CA222139.

ClinVar aggregate classification (germline): Likely pathogenic. Review status: reviewed by expert panel (3 of 4 stars). 9 submissions from 8 submitters: Likely pathogenic (1). 8 of the submissions do not count toward it. Last evaluated 2026-04-30.

Conditions:
DYSF-related disorder. Also called: DYSF-related disorders; DYSF-related condition.
Autosomal recessive limb-girdle muscular dystrophy. Identifiers: Orphanet 102015, MedGen C2931907, MONDO:0015152.
Neuromuscular disease caused by qualitative or quantitative defects of dysferlin. Also called: Dysferlinopathy; Qualitative or quantitative defects of dysferlin. Identifiers: Orphanet 207073, MedGen C2931687, MONDO:0016145.
Limb-girdle muscular dystrophy (LGMD). Also called: Muscular Dystrophies, Limb-Girdle. Identifiers: Orphanet 263, MedGen C0686353, MeSH D049288, MONDO:0016971, HP:0006785.
Miyoshi muscular dystrophy 1 (MMD1). Identifiers: Orphanet 45448, MedGen C4551973, MONDO:0024545, OMIM 254130.
Autosomal recessive limb-girdle muscular dystrophy type 2B (LGMDR2). Also called: MUSCULAR DYSTROPHY, LIMB-GIRDLE, TYPE 3; Limb-girdle muscular dystrophy, type 2B; Limb-Girdle Muscular Dystrophy Type 2B (LGMD2B); MUSCULAR DYSTROPHY, LIMB-GIRDLE, AUTOSOMAL RECESSIVE 2. Identifiers: Orphanet 268, MedGen C1850889, MONDO:0009676, OMIM 253601.

Submissions (9):

ClinGen Limb Girdle Muscular Dystrophy Variant Curation Expert Panel, ClinGen
Classification: Likely pathogenic for Limb-girdle muscular dystrophy. Last evaluated: 2026-04-30. Review status: reviewed by expert panel. Criteria: ClinGen LGMD VCEP ACMG Specifications DYSF V2.0.0. Collection method: curation. Allele origin: germline. Inheritance: Autosomal recessive inheritance.
Comment: The NM_003494.4: c.2372C>G variant in DYSF, which is also known as NM_001130987.2: c.2426C>G p.(Pro809Arg), is a missense variant predicted to cause substitution of proline by arginine at amino acid position 809, p.(Pro791Arg). This variant has been detected in a homozygous state in at least five seemingly unrelated individuals with features consistent with limb girdle muscular dystrophy (1 pt; PMID: 30564623, 16996541, 10196377; PM3). It has also been reported in unconfirmed phase with a VUS in an individual with undetectable dysferlin protein expression (Jain Foundation Dysferlin Registry internal data communication). At least one patient with this variant in a homozygous state displayed progressive limb girdle muscle weakness and significantly reduced DYSF protein expression, which is highly specific for DYSF-related LGMD (PP4_Strong; PMID: 16996541, 10196377). This variant was also shown to co-segregate with autosomal recessive LGMD in at least 10 affected family members from three Canadian Indigenous families sharing the same haplotype, suggesting it is a founder variant in that population (PMID: 10196377; PP1_Supporting, capped with PP4_Strong). This variant is absent from gnomAD v4.1.0. (PM2_Supporting). The computational predictor REVEL gives a score of 0.902, which meets the VCEP threshold of ≥0.70, evidence that correlates with impact to DYSF function (PP3). In summary, this variant meets the criteria to be classified as Likely Pathogenic for autosomal recessive limb girdle muscular dystrophy based on the ACMG/AMP criteria applied, as specified by the ClinGen LGMD VCEP (LGMD VCEP specifications version 2.0.0; 04/30/2026): PM3, PP4_Strong, PP1, PM2_Supporting, PP3.

Labcorp Genetics (formerly Invitae), Labcorp
Classification: Pathogenic for Neuromuscular disease caused by qualitative or quantitative defects of dysferlin. Last evaluated: 2025-08-09. Review status: criteria provided, single submitter. Criteria: Invitae Variant Classification Sherloc (09022015). Collection method: clinical testing. Allele origin: germline. Not counted in ClinVar's aggregate classification.
Comment: This sequence change replaces proline, which is neutral and non-polar, with arginine, which is basic and polar, at codon 791 of the DYSF protein (p.Pro791Arg). This variant is not present in population databases (gnomAD no frequency). This missense change has been observed in individuals with limb-girdle muscular dystrophy (PMID: 10196377, 16996541). It has also been observed to segregate with disease in related individuals. ClinVar contains an entry for this variant (Variation ID: 6671). Invitae Evidence Modeling of protein sequence and biophysical properties (such as structural, functional, and spatial information, amino acid conservation, physicochemical variation, residue mobility, and thermodynamic stability) indicates that this missense variant is expected to disrupt DYSF protein function with a positive predictive value of 95%. For these reasons, this variant has been classified as Pathogenic.

Women's Health and Genetics/Laboratory Corporation of America, LabCorp
Classification: Pathogenic for Autosomal recessive limb-girdle muscular dystrophy. Last evaluated: 2025-06-12. Review status: criteria provided, single submitter. Criteria: LabCorp Variant Classification Summary - May 2015. Collection method: clinical testing. Allele origin: germline. Not counted in ClinVar's aggregate classification.
Comment: Variant summary: DYSF c.2372C>G (p.Pro791Arg) results in a non-conservative amino acid change in the encoded protein sequence. Algorithms developed to predict the effect of missense changes on protein structure and function all suggest that this variant is likely to be disruptive. The frequency data for this variant in gnomAD is considered unreliable, as metrics indicate poor data quality at this position. c.2372C>G has been observed in multiple individuals affected with Limb-Girdle Muscular Dystrophy, Autosomal Recessive (Weiler_1999, Therrien_2006). These data indicate that the variant is very likely to be associated with disease. To our knowledge, no experimental evidence demonstrating an impact on protein function has been reported. The following publications have been ascertained in the context of this evaluation (PMID: 16996541, 10196377). ClinVar contains an entry for this variant (Variation ID: 6671). Based on the evidence outlined above, the variant was classified as pathogenic.

Natera, Inc.
Classification: Likely pathogenic for Limb-girdle muscular dystrophy type 2B. Last evaluated: 2024-05-20. Review status: criteria provided, single submitter. Criteria: Natera Variant Classification Schema (03/2026). Collection method: clinical testing. Allele origin: germline. Not counted in ClinVar's aggregate classification.
Comment: The c.2372C>G variant in DYSF is a missense variant predicted to cause substitution of proline to arginine at amino acid 791. This variant is rare in the general population with a frequency below the threshold expected for the associated phenotype(s). This variant has been observed in one or more individuals affected with the associated recessive disease, as either homozygous or compound heterozygous with a second variant (PMID: 35135626, 16996541). Additionally, this variant has been observed to segregate in affected family members (PMID: 10196377). Computational prediction algorithms indicate this variant is likely to affect gene or protein function. Given the available evidence, this variant is classified as Likely Pathogenic.

Revvity Omics, Revvity
Classification: Likely pathogenic. Last evaluated: 2024-04-17. Review status: criteria provided, single submitter. Criteria: ACMG Guidelines, 2015. Collection method: clinical testing. Allele origin: germline. Not counted in ClinVar's aggregate classification.

Blueprint Genetics
Classification: Pathogenic for DYSF-related disorders. Last evaluated: 2023-09-28. Review status: criteria provided, single submitter. Criteria: ACMG Guidelines, 2015. Collection method: clinical testing. Allele origin: germline. Affected: yes. Observed: 5 variant alleles. Not counted in ClinVar's aggregate classification.

Eurofins Ntd Llc (ga)
Classification: Pathogenic. Last evaluated: 2017-03-03. Review status: criteria provided, single submitter. Criteria: EGL Classification Definitions. Collection method: clinical testing. Allele origin: germline. Observed: 2 variant alleles, 2 homozygotes. Not counted in ClinVar's aggregate classification.

OMIM
Classification: Pathogenic for MUSCULAR DYSTROPHY, LIMB-GIRDLE, AUTOSOMAL RECESSIVE 2. Last evaluated: 1999-05-01. Review status: no assertion criteria provided. Collection method: literature only. Allele origin: germline. Not counted in ClinVar's aggregate classification.

OMIM
Classification: Pathogenic for MIYOSHI MUSCULAR DYSTROPHY 1. Last evaluated: 1999-05-01. Review status: no assertion criteria provided. Collection method: literature only. Allele origin: germline. Not counted in ClinVar's aggregate classification.

Literature cited by the submitters: PubMed 10196377 (cited by 4 submitters); PubMed 16996541 (cited by 3 submitters); PubMed 35135626 (cited by Natera, Inc.); PubMed 8808603 (cited by OMIM).